The following is an entry in ClinVar:

NM_000545.8(HNF1A):c.185del (p.Asn62fs)

Gene: HNF1A (HNF1 homeobox A; plus strand). Cytogenetic location: 12q24.31.
Variant type: Deletion.
Coding change: c.185del on transcript NM_000545.8 (MANE Select); coding-DNA position 185, one base deleted (A; older notation c.185delA).
Protein change: p.Asn62fs; shifts the reading frame from asparagine 62.
Molecular consequence: frameshift variant.
Genome position (GRCh38, 1-based): chr12:120,978,953, A deleted; the last of 2 consecutive A bases (chr12:120,978,952-120,978,953); deleting either gives the same sequence. VCF-style (leftmost placement, unchanged base first): chr12-120978951-CA-C. GRCh37 (hg19) VCF-style: chr12-121416754-CA-C.
Other names: NM_001306179.2:c.185del; c.185del, p.Asn62fs (NM_001306179.2); short protein forms N62fs.
Identifiers: ClinVar variation 1676686 (VCV001676686.3), dbSNP rs2135819895, ClinGen allele CA2573051035.
Genomic context (GRCh38, chr12:120,978,951, plus strand): 5'-AGGCCCCCTGGACAAGGGGGAGTCCTGCGGCGGCGGTCGAGGGGAGCTGGCTGAGCTGCC[CA>C]ATGGGCTGGGGGAGACTCGGGGCTCCGAGGACGAGACGGACGACGATGGGGAAGACTTCA-3'

ClinVar aggregate classification (germline): Pathogenic (3 of 4 stars; one submission).

Conditions:
Monogenic diabetes. Identifiers: Orphanet 183625, MedGen C3888631, MONDO:0015967.

Submission:

ClinGen Monogenic Diabetes Variant Curation Expert Panel
Classification: Pathogenic for Monogenic diabetes. Last evaluated: 2022-04-03. Review status: reviewed by expert panel. Criteria: ClinGen Diabetes ACMG Specifications v1 1. Collection method: curation. Allele origin: germline. Inheritance: Autosomal dominant inheritance.
Comment: The c.185delA variant in the HNF1 homeobox A gene, HNF1A, causes a frameshift in the protein at codon 62 (NM_000545.8), adding 93 novel amino acids before encountering a stop codon (p.(Asn62MetfsTer93)). This variant, located in biologically-relevant exon 1 of 10, is predicted to lead to nonsense mediated decay in a gene in which loss-of-function is an established disease mechanism (PVS1; PMID: 23348805). This variant segregated with diabetes, with 8 informative meioses in one family with MODY (PP1_Strong; internal lab contributors). Additionally, this variant is absent from gnomAD v2.1.1 (PM2_Supporting). This variant was identified in an individual with a clinical history highly specific for HNF1A-MODY (MODY probability calculator result >50%, negative genetic testing for HNF4A, response to low dose sulfonylurea, and low renal threshold) (PP4_Moderate; PMID: 28701371, internal lab contributors). In summary, c.185delA meets the criteria to be classified as pathogenic for monogenic diabetes. ACMG/AMP criteria applied, as specified by the ClinGen MDEP (specification version 1.0, approved 9/30/21): PVS1, PM2_Supporting, PP1_Strong, PP4_Moderate